The following is an entry in ClinVar:

ClinVar aggregate classification (germline): Uncertain significance (1 of 4 stars; one submission).

Submission:

Women's Health and Genetics/Laboratory Corporation of America, LabCorp
Classification: Uncertain significance. Last evaluated: 2022-05-24. Review status: criteria provided, single submitter. Criteria: LabCorp Variant Classification Summary - May 2015. Collection method: clinical testing. Allele origin: germline.
Comment: Variant summary: SCYL1BP1 (also known as GORAB) c.1137C>A (p.Asn379Lys) results in a non-conservative amino acid change in the encoded protein sequence. Four of five in-silico tools predict a benign effect of the variant on protein function. The variant was absent in 281088 control chromosomes. The available data on variant occurrences in the general population are insufficient to allow any conclusion about variant significance. To our knowledge, no occurrence of c.1137C>A in individuals affected with Geroderma Osteodysplastica and no experimental evidence demonstrating its impact on protein function have been reported. No clinical diagnostic laboratories have submitted clinical-significance assessments for this variant to ClinVar after 2014. Based on the evidence outlined above, the variant was classified as uncertain significance.

NM_152281.3(GORAB):c.1062C>A (p.Asn354Lys)

Gene: GORAB (golgin, RAB6 interacting; plus strand). Cytogenetic location: 1q24.2.
Variant type: single nucleotide variant.
Coding change: c.1062C>A on transcript NM_152281.3 (MANE Select); coding-DNA position 1062, C replaced by A.
Protein change: p.Asn354Lys; replaces asparagine 354 with lysine.
Molecular consequence: missense variant. On other transcripts: non-coding transcript variant (1).
Genome position (GRCh38, 1-based): chr1:170,552,414, C>A. VCF-style: chr1-170552414-C-A. GRCh37 (hg19) VCF-style: chr1-170521555-C-A.
Other names: c.597C>A, p.Asn199Lys (NM_001320252.2); short protein forms N199K, N354K.
Identifiers: ClinVar variation 1698677 (VCV001698677.1), dbSNP rs2101834808, ClinGen allele CA343165470.